The following is an entry in ClinVar:

ClinVar aggregate classification (germline): Likely benign. Review status: criteria provided, multiple submitters, no conflicts (2 of 4 stars). 3 submissions from 3 submitters: Likely benign (3). Last evaluated 2026-05-12.

Conditions:
LRP5-related disorder. Also called: LRP5-related condition.

Allele frequency attached by ClinVar (database versions not stated): gnomAD 0.00001; gnomAD exomes 0.00001; ExAC 0.00002; TOPMed 0.00002.
gnomAD v4.1: 13 of 1,613,654 alleles (0.00081%); highest among the groups gnomAD compares: Middle Eastern, 0.016%; no homozygotes.

Submissions (3):

PreventionGenetics, part of Exact Sciences
Classification: Likely benign for LRP5-related condition. Last evaluated: 2026-05-12. Review status: criteria provided, single submitter. Criteria: ACMG Guidelines, 2015. Collection method: clinical testing. Allele origin: germline.
Comment: This variant is classified as likely benign based on ACMG/AMP sequence variant interpretation guidelines (Richards et al. 2015 PMID: 25741868, with internal and published modifications).

Blueprint Genetics
Classification: Likely benign. Last evaluated: 2024-02-12. Review status: criteria provided, single submitter. Criteria: ACMG Guidelines, 2015. Collection method: clinical testing. Allele origin: germline.

Labcorp Genetics (formerly Invitae), Labcorp
Classification: Likely benign. Last evaluated: 2024-01-28. Review status: criteria provided, single submitter. Criteria: Invitae Variant Classification Sherloc (09022015). Collection method: clinical testing. Allele origin: germline.

NM_002335.4(LRP5):c.2526C>T (p.Ala842=)

Gene: LRP5 (LDL receptor related protein 5; plus strand). Cytogenetic location: 11q13.2.
Variant type: single nucleotide variant.
Coding change: c.2526C>T on transcript NM_002335.4 (MANE Select); coding-DNA position 2526, C replaced by T.
Protein change: p.Ala842=; no amino-acid change (alanine 842 retained).
Molecular consequence: synonymous variant.
Genome position (GRCh38, 1-based): chr11:68,413,711, C>T. VCF-style: chr11-68413711-C-T. GRCh37 (hg19) VCF-style: chr11-68181179-C-T.
Other names: c.783C>T, p.Ala261= (NM_001291902.2); c.2526C>T (NM_002335.3).
Identifiers: ClinVar variation 1147017 (VCV001147017.11), dbSNP rs780939776, ClinGen allele CA6149676.
Genomic context (GRCh38, chr11:68,413,711, plus strand): 5'-TGCCTTTGCTGACACCGTGCCCGTGTGTGTTCATGCAGGTCAGGAGCGGGTCGTGATTGC[C>T]GACGATCTCCCGCACCCGTTCGGTCTGACGCAGTACAGCGATTATATCTACTGGACAGAC-3'
Protein context (NP_002326.2, residues 832-852): NMLGQERVVI[Ala842=]DDLPHPFGLT